The following is an entry in ClinVar:

ClinVar aggregate classification (germline): Conflicting classifications of pathogenicity. Review status: criteria provided, conflicting classifications (1 of 4 stars). 6 submissions from 6 submitters: Uncertain significance (1); Likely benign (4). 1 of the submissions does not count toward it. Last evaluated 2026-03-05.

Conditions:
COL6A2-related disorder.
Bethlem myopathy 1A. Also called: MYOPATHY, BENIGN CONGENITAL, WITH CONTRACTURES; Bethlem myopathy 1; Bethlem Muscular Dystrophy. Identifiers: Orphanet 610, MedGen CN029274, MONDO:0024530, OMIM 158810.

Allele frequency attached by ClinVar (database versions not stated): gnomAD 0.00011 and 0.00013; gnomAD exomes 0.00011; ExAC 0.00012; TOPMed 0.00013; ESP Exome Variant Server 0.00023.

Submissions (6):

Women's Health and Genetics/Laboratory Corporation of America, LabCorp
Classification: Likely benign. Last evaluated: 2026-03-05. Review status: criteria provided, single submitter. Criteria: LabCorp Variant Classification Summary - May 2015. Collection method: clinical testing. Allele origin: germline.

CeGaT Center for Human Genetics Tuebingen
Classification: Likely benign. Last evaluated: 2026-01-01. Review status: criteria provided, single submitter. Criteria: CeGaT Center For Human Genetics Tuebingen Variant Classification Criteria Version 2. Collection method: clinical testing. Allele origin: germline. Affected: yes. Observed: 1 variant allele.
Comment: COL6A2: BP4, BP7

Labcorp Genetics (formerly Invitae), Labcorp
Classification: Likely benign for Bethlem myopathy 1A. Last evaluated: 2025-12-22. Review status: criteria provided, single submitter. Criteria: Invitae Variant Classification Sherloc (09022015). Collection method: clinical testing. Allele origin: germline.

GeneDx
Classification: Likely benign. Last evaluated: 2019-01-16. Review status: criteria provided, single submitter. Criteria: GeneDx Variant Classification Process June 2021. Collection method: clinical testing. Allele origin: germline. Affected: yes.

Eurofins Ntd Llc (ga)
Classification: Uncertain significance. Last evaluated: 2017-11-14. Review status: criteria provided, single submitter. Criteria: EGL Classification Definitions 2015. Collection method: clinical testing. Allele origin: germline. Observed: 5 variant alleles, 5 heterozygotes.

PreventionGenetics, part of Exact Sciences
Classification: Likely benign for COL6A2-related condition. Last evaluated: 2024-03-29. Review status: no assertion criteria provided. Collection method: clinical testing. Allele origin: germline. Not counted in ClinVar's aggregate classification.
Comment: This variant is classified as likely benign based on ACMG/AMP sequence variant interpretation guidelines (Richards et al. 2015 PMID: 25741868, with internal and published modifications).

NM_001849.4(COL6A2):c.2580G>A (p.Ala860=)

Gene: COL6A2 (collagen type VI alpha 2 chain; plus strand). Cytogenetic location: 21q22.3.
Variant type: single nucleotide variant.
Coding change: c.2580G>A on transcript NM_001849.4 (MANE Select); coding-DNA position 2580, G replaced by A.
Protein change: p.Ala860=; no amino-acid change (alanine 860 retained).
Molecular consequence: synonymous variant.
Genome position (GRCh38, 1-based): chr21:46,132,072, G>A. VCF-style: chr21-46132072-G-A. GRCh37 (hg19) VCF-style: chr21-47551986-G-A.
Identifiers: ClinVar variation 93942 (VCV000093942.23), dbSNP rs146420786, ClinGen allele CA221828.
Genomic context (GRCh38, chr21:46,132,072, plus strand): 5'-CTCCGAGCGGCTGGGTGAGCAGAACTTCCACAAGGCCCGGCGCTTCGTGGAGCAGGTGGC[G>A]CGGCGGCTGACGCTGGCCCGGAGGGACGACGACCCTCTCAACGCACGCGTGGCGCTGCTG-3'
Protein context (NP_001840.3, residues 850-870): HKARRFVEQV[Ala860=]RRLTLARRDD